The following is an entry in ClinVar:

ClinVar aggregate classification (germline): Pathogenic (1 of 4 stars; one submission).

Conditions:
Angelman syndrome (AS). Also called: HAPPY PUPPET SYNDROME. Identifiers: Orphanet 72, MedGen C0162635, MONDO:0007113, OMIM 105830. Disease mechanism: loss of function. Inheritance: imprinting disorder, AS is caused by disruption of maternally imprinted UBE3A located within the 15q11.2-q13 Angelman syndrome/Prader-Willi syndrome (AS/PWS) region..

Submission:

Labcorp Genetics (formerly Invitae), Labcorp
Classification: Pathogenic for Angelman syndrome. Last evaluated: 2022-08-09. Review status: criteria provided, single submitter. Criteria: Invitae Variant Classification Sherloc (09022015). Collection method: clinical testing. Allele origin: germline.
Comment: For these reasons, this variant has been classified as Pathogenic. ClinVar contains an entry for this variant (Variation ID: 645339). This premature translational stop signal has been observed in individual(s) with UBE3A-related conditions (Invitae). This variant is not present in population databases (gnomAD no frequency). This sequence change creates a premature translational stop signal (p.Ile421Thrfs*11) in the UBE3A gene. It is expected to result in an absent or disrupted protein product. Loss-of-function variants in UBE3A are known to be pathogenic (PMID: 25212744).

Literature cited by the submitters: PubMed 25212744.

NM_130839.5(UBE3A):c.1322del (p.Ile441fs)

Genes: SNHG14 (small nucleolar RNA host gene 14; plus strand), UBE3A (ubiquitin protein ligase E3A; minus strand). Cytogenetic location: 15q11.2.
Variant type: Deletion.
Coding change: c.1322del on transcript NM_130839.5 (MANE Select); coding-DNA position 1322, one base deleted (T; older notation c.1322delT).
Protein change: p.Ile441fs; shifts the reading frame from isoleucine 441.
Molecular consequence: frameshift variant. On other transcripts: non-coding transcript variant (1), intron variant (2).
Genome position (GRCh38, 1-based): chr15:25,370,852, A deleted on the plus strand (T on the coding strand, the reverse complement: UBE3A is on the minus strand). VCF-style (leftmost placement, unchanged base first): chr15-25370851-GA-G. GRCh37 (hg19) VCF-style: chr15-25615998-GA-G.
Other names: c.1331del, p.Ile444fs (NM_000462.5); c.1322del, p.Ile441fs (NM_001354505.1, NM_001354538.2, NM_001354545.2); c.1262del, p.Ile421fs (NM_001354506.2, NM_001354507.2, NM_001354508.2 and 17 more transcripts); c.1145del, p.Ile382fs (NM_001354546.2); c.301+4613del (NM_001354551.2); c.361+4613del (NM_001354550.2); short protein forms I421fs, I444fs, I382fs, I441fs.
Identifiers: ClinVar variation 645339 (VCV000645339.8), dbSNP rs1595804239, ClinGen allele CA915946482.